The following is an entry in ClinVar:

NM_000161.3(GCH1):c.53G>A (p.Cys18Tyr)

Genes: GCH1 (GTP cyclohydrolase 1; minus strand), LOC130055692 (ATAC-STARR-seq lymphoblastoid silent region 5776; plus strand). Cytogenetic location: 14q22.2.
Variant type: single nucleotide variant.
Coding change: c.53G>A on transcript NM_000161.3 (MANE Select); coding-DNA position 53, G replaced by A.
Protein change: p.Cys18Tyr; replaces cysteine 18 with tyrosine.
Molecular consequence: missense variant.
Genome position (GRCh38, 1-based): chr14:54,902,611, C>T on the plus strand (G>A on the coding strand, the complement: GCH1 is on the minus strand). VCF-style: chr14-54902611-C-T. GRCh37 (hg19) VCF-style: chr14-55369329-C-T.
Other names: c.53G>A, p.Cys18Tyr (NM_001024024.2, NM_001024070.2, NM_001024071.2 and 1 more transcripts); short protein forms C18Y.
Identifiers: ClinVar variation 4783349 (VCV004783349.1).

ClinVar aggregate classification (germline): Uncertain significance (1 of 4 stars; one submission).

Conditions:
GTP cyclohydrolase I deficiency. Identifiers: MedGen C0268467, MONDO:0100184.
Dystonia 5 (DRD). Also called: DYT-GCH1; DYSTONIA, PROGRESSIVE, WITH DIURNAL VARIATION; DYSTONIA-PARKINSONISM WITH DIURNAL FLUCTUATION; Dystonia, DOPA-responsive, with or without hyperphenylalaninemia; GTP Cyclohydrolase 1-Deficient Dopa-Responsive Dystonia. Identifiers: Orphanet 98808, MedGen C1851920, MONDO:0007495, OMIM 128230.

Submission:

Labcorp Genetics (formerly Invitae), Labcorp
Classification: Uncertain significance for GTP cyclohydrolase I deficiency; Dystonia 5. Last evaluated: 2025-03-01. Review status: criteria provided, single submitter. Criteria: Invitae Variant Classification Sherloc (09022015). Collection method: clinical testing. Allele origin: germline.
Comment: This sequence change replaces cysteine, which is neutral and slightly polar, with tyrosine, which is neutral and polar, at codon 18 of the GCH1 protein (p.Cys18Tyr). This variant is not present in population databases (gnomAD no frequency). This variant has not been reported in the literature in individuals affected with GCH1-related conditions. Invitae Evidence Modeling of protein sequence and biophysical properties (such as structural, functional, and spatial information, amino acid conservation, physicochemical variation, residue mobility, and thermodynamic stability) indicates that this missense variant is not expected to disrupt GCH1 protein function with a negative predictive value of 95%. In summary, the available evidence is currently insufficient to determine the role of this variant in disease. Therefore, it has been classified as a Variant of Uncertain Significance.